The following is an entry in ClinVar:

ClinVar aggregate classification (germline): Likely benign (1 of 4 stars; one submission).

Allele frequency attached by ClinVar (database versions not stated): 1000 Genomes Project 0.01218; gnomAD 0.01249 and 0.01336; 1000 Genomes Project 30x 0.01390; TOPMed 0.01429.

Submission:

GeneDx
Classification: Likely benign. Last evaluated: 2018-06-14. Review status: criteria provided, single submitter. Criteria: GeneDx Variant Classification (06012015). Collection method: clinical testing. Allele origin: germline. Affected: yes.
Comment: This variant is considered likely benign or benign based on one or more of the following criteria: it is a conservative change, it occurs at a poorly conserved position in the protein, it is predicted to be benign by multiple in silico algorithms, and/or has population frequency not consistent with disease.

NM_001182.5(ALDH7A1):c.1566-156del

Gene: ALDH7A1 (aldehyde dehydrogenase 7 family member A1; minus strand). Cytogenetic location: 5q23.2.
Variant type: Deletion.
Coding change: c.1566-156del on transcript NM_001182.5 (MANE Select); 156 bases into the intron before coding-DNA position 1566, one base deleted (T; older notation c.1566-156delT).
Molecular consequence: intron variant.
Genome position (GRCh38, 1-based): chr5:126,545,175, A deleted on the plus strand (T on the coding strand, the reverse complement: ALDH7A1 is on the minus strand). VCF-style (leftmost placement, unchanged base first): chr5-126545174-TA-T. GRCh37 (hg19) VCF-style: chr5-125880866-TA-T.
Other names: c.1374-156del (NM_001202404.2); c.1482-156del (NM_001201377.2).
Identifiers: ClinVar variation 677644 (VCV000677644.1), dbSNP rs138464455, ClinGen allele CA126882306.